The following is an entry in ClinVar:

NM_001375808.2(LPIN2):c.*723A>G

Gene: LPIN2 (lipin 2; minus strand). Cytogenetic location: 18p11.31.
Variant type: single nucleotide variant.
Coding change: c.*723A>G on transcript NM_001375808.2 (MANE Select); 723 bases downstream of the stop codon, A replaced by G.
Molecular consequence: 3 prime UTR variant.
Genome position (GRCh38, 1-based): chr18:2,919,570, T>C on the plus strand (A>G on the coding strand, the complement: LPIN2 is on the minus strand). VCF-style: chr18-2919570-T-C. GRCh37 (hg19) VCF-style: chr18-2919568-T-C.
Other names: c.*723A>G (NM_001375809.1, NM_014646.2).
Identifiers: ClinVar variation 326610 (VCV000326610.5), dbSNP rs76325993, ClinGen allele CA10641254.

ClinVar aggregate classification (germline): Benign (1 of 4 stars; one submission).

Conditions:
Majeed syndrome (MJDS). Also called: CHRONIC RECURRENT MULTIFOCAL OSTEOMYELITIS 1, WITH CONGENITAL DYSERYTHROPOIETIC ANEMIA, WITH OR WITHOUT NEUTROPHILIC DERMATOSIS; LPIN2-Related Majeed Syndrome. Identifiers: Orphanet 77297, MedGen C1864997, MONDO:0012316, OMIM 609628.

Allele frequency attached by ClinVar (database versions not stated): gnomAD exomes 0.00184; TOPMed 0.02523; 1000 Genomes Project 0.02815; 1000 Genomes Project 30x 0.02967.
gnomAD v4.1: 3,640 of 152,812 alleles (2.4%); highest among the groups gnomAD compares: African/African-American, 7.7%; 139 homozygotes.

Submission:

Illumina Laboratory Services, Illumina
Classification: Benign for Majeed syndrome. Last evaluated: 2018-01-13. Review status: criteria provided, single submitter. Criteria: ICSL Variant Classification Criteria 13 December 2019. Collection method: clinical testing. Allele origin: germline.
Comment: This variant was observed in the ICSL laboratory as part of a predisposition screen in an ostensibly healthy population. It had not been previously curated by ICSL or reported in the Human Gene Mutation Database (HGMD: prior to June 1st, 2018), and was therefore a candidate for classification through an automated scoring system. Utilizing variant allele frequency, disease prevalence and penetrance estimates, and inheritance mode, an automated score was calculated to assess if this variant is too frequent to cause the disease. Based on the score and internal cut-off values, a variant classified as benign is not then subjected to further curation. The score for this variant resulted in a classification of benign for this disease.